The following is an entry in ClinVar:

ClinVar aggregate classification (germline): Uncertain significance (1 of 4 stars; one submission).

Conditions:
MEGF10-related myopathy (CMYO10A). Also called: Congenital myopathy 10A, severe variant. Identifiers: Orphanet 439212, MedGen C3280679, MONDO:0013731, OMIM 614399.

Allele frequency attached by ClinVar (database versions not stated): gnomAD exomes below 0.00001; gnomAD 0.00001.
gnomAD v4.1: 5 of 1,614,050 alleles (0.00031%); highest among the groups gnomAD compares: African/African-American, 0.0013%; no homozygotes.

Submission:

Labcorp Genetics (formerly Invitae), Labcorp
Classification: Uncertain significance for MEGF10-related myopathy. Last evaluated: 2022-06-20. Review status: criteria provided, single submitter. Criteria: Invitae Variant Classification Sherloc (09022015). Collection method: clinical testing. Allele origin: germline.
Comment: Algorithms developed to predict the effect of missense changes on protein structure and function (SIFT, PolyPhen-2, Align-GVGD) all suggest that this variant is likely to be disruptive. This variant has not been reported in the literature in individuals affected with MEGF10-related conditions. This variant is present in population databases (no rsID available, gnomAD 0.01%). This sequence change replaces proline, which is neutral and non-polar, with arginine, which is basic and polar, at codon 518 of the MEGF10 protein (p.Pro518Arg). In summary, the available evidence is currently insufficient to determine the role of this variant in disease. Therefore, it has been classified as a Variant of Uncertain Significance.

NM_001256545.2(MEGF10):c.1553C>G (p.Pro518Arg)

Gene: MEGF10 (multiple EGF like domains 10; plus strand). Cytogenetic location: 5q23.2.
Variant type: single nucleotide variant.
Coding change: c.1553C>G on transcript NM_001256545.2 (MANE Select); coding-DNA position 1553, C replaced by G.
Protein change: p.Pro518Arg; replaces proline 518 with arginine.
Molecular consequence: missense variant.
Genome position (GRCh38, 1-based): chr5:127,420,170, C>G. VCF-style: chr5-127420170-C-G. GRCh37 (hg19) VCF-style: chr5-126755862-C-G.
Other names: c.1553C>G, p.Pro518Arg (NM_001308119.2, NM_001308121.2, NM_032446.3); short protein forms P518R.
Identifiers: ClinVar variation 1512656 (VCV001512656.8), dbSNP rs1196146646, ClinGen allele CA360730165.